The following is an entry in ClinVar:

NM_000059.4(BRCA2):c.8649A>G (p.Pro2883=)

Gene: BRCA2 (BRCA2 DNA repair associated; plus strand). Cytogenetic location: 13q13.1.
Variant type: single nucleotide variant.
Coding change: c.8649A>G on transcript NM_000059.4 (MANE Select); coding-DNA position 8649, A replaced by G.
Protein change: p.Pro2883=; no amino-acid change (proline 2883 retained).
Molecular consequence: synonymous variant.
Genome position (GRCh38, 1-based): chr13:32,376,686, A>G. VCF-style: chr13-32376686-A-G. GRCh37 (hg19) VCF-style: chr13-32950823-A-G.
Identifiers: ClinVar variation 185303 (VCV000185303.27), dbSNP rs786202069, ClinGen allele CA025761.

ClinVar aggregate classification (germline): Likely benign. Review status: reviewed by expert panel (3 of 4 stars). 10 submissions from 10 submitters: Likely benign (1). 9 of the submissions do not count toward it. Last evaluated 2017-06-29.

Conditions:
BRCA2-related disorder. Also called: BRCA2-related condition; BRCA2-related disorders. Identifiers: MedGen CN239275.
Hereditary cancer-predisposing syndrome. Also called: Tumor predisposition; Hereditary Cancer Syndrome; Hereditary neoplastic syndrome; Neoplastic Syndromes, Hereditary. Identifiers: Orphanet 140162, MedGen C0027672, MeSH D009386, MONDO:0015356.
Hereditary breast ovarian cancer syndrome. Also called: Breast and ovarian cancer; Hereditary breast and ovarian cancer syndrome; Hereditary breast and ovarian cancer; BRCA1- and BRCA2-Associated Hereditary Breast and Ovarian Cancer; Hereditary breast and ovarian cancer syndrome (HBOC); Hereditary breast and/or ovarian cancer syndrome. Identifiers: Orphanet 145, MedGen C0677776, MeSH D061325, MONDO:0003582. Disease mechanism: loss of function.
Breast-ovarian cancer, familial, susceptibility to, 2 (BROVCA2). Also called: BRCA2 Hereditary Breast and Ovarian Cancer. Identifiers: Orphanet 145, MedGen C2675520, MONDO:0012933, OMIM 612555. Disease mechanism: loss of function.

Allele frequency attached by ClinVar (database versions not stated): gnomAD exomes below 0.00001.
gnomAD v4.1: 2 of 1,614,184 alleles (0.00012%); highest among the groups gnomAD compares: South Asian, 0.0011%; no homozygotes.

Submissions (10):

Evidence-based Network for the Interpretation of Germline Mutant Alleles (ENIGMA)
Classification: Likely benign for Breast-ovarian cancer, familial, susceptibility to, 2. Last evaluated: 2017-06-29. Review status: reviewed by expert panel. Criteria: ENIGMA BRCA1/2 Classification Criteria (2017-06-29). Collection method: curation. Allele origin: germline.
Comment: Synonymous substitution variant, with low bioinformatic likelihood to result in a splicing aberration (Splicing prior probability 0.02).

Labcorp Genetics (formerly Invitae), Labcorp
Classification: Likely benign for Hereditary breast ovarian cancer syndrome. Last evaluated: 2025-12-16. Review status: criteria provided, single submitter. Criteria: Invitae Variant Classification Sherloc (09022015). Collection method: clinical testing. Allele origin: germline. Not counted in ClinVar's aggregate classification.

Quest Diagnostics Nichols Institute San Juan Capistrano
Classification: Likely benign. Last evaluated: 2025-08-14. Review status: criteria provided, single submitter. Criteria: Quest Diagnostics criteria. Collection method: clinical testing. Allele origin: unknown. Not counted in ClinVar's aggregate classification.

All of Us Research Program, National Institutes of Health
Classification: Likely benign for Breast-ovarian cancer, familial, susceptibility to, 2. Last evaluated: 2023-03-23. Review status: criteria provided, single submitter. Criteria: ACMG Guidelines, 2015. Collection method: clinical testing. Allele origin: germline. Inheritance: Autosomal dominant inheritance. Observed: 1 variant allele, 1 heterozygote. Not counted in ClinVar's aggregate classification.
Comment: This study involves interpretation of variants in research participants for the purpose of population health screening. Participant phenotype was not available at the time of variant classification. Additional details can be found in publication PMID: 35346344, PMCID: PMC8962531

Sema4
Classification: Likely benign for Hereditary cancer-predisposing syndrome. Last evaluated: 2020-11-17. Review status: criteria provided, single submitter. Criteria: Sema4 Curation Guidelines. Collection method: curation. Allele origin: germline. Not counted in ClinVar's aggregate classification.

Women's Health and Genetics/Laboratory Corporation of America, LabCorp
Classification: Likely benign. Last evaluated: 2019-08-21. Review status: criteria provided, single submitter. Criteria: LabCorp Variant Classification Summary - May 2015. Collection method: clinical testing. Allele origin: germline. Not counted in ClinVar's aggregate classification.

GeneDx
Classification: Likely benign. Last evaluated: 2018-07-26. Review status: criteria provided, single submitter. Criteria: GeneDx Variant Classification Process June 2021. Collection method: clinical testing. Allele origin: germline. Affected: yes. Not counted in ClinVar's aggregate classification.

Color Diagnostics, LLC DBA Color Health
Classification: Likely benign for Hereditary cancer-predisposing syndrome. Last evaluated: 2018-05-15. Review status: criteria provided, single submitter. Criteria: ACMG Guidelines, 2015. Collection method: clinical testing. Allele origin: germline. Not counted in ClinVar's aggregate classification.

Ambry Genetics
Classification: Likely benign for Hereditary cancer-predisposing syndrome. Last evaluated: 2014-06-06. Review status: criteria provided, single submitter. Criteria: Ambry Variant Classification Scheme 2023. Collection method: clinical testing. Allele origin: germline. Not counted in ClinVar's aggregate classification.

PreventionGenetics, part of Exact Sciences
Classification: Likely benign for BRCA2-related condition. Last evaluated: 2024-02-26. Review status: no assertion criteria provided. Collection method: clinical testing. Allele origin: germline. Not counted in ClinVar's aggregate classification.
Comment: This variant is classified as likely benign based on ACMG/AMP sequence variant interpretation guidelines (Richards et al. 2015 PMID: 25741868, with internal and published modifications).

Literature cited by the submitters: PubMed 37415649 (cited by Quest Diagnostics Nichols Institute San Juan Capistrano).